The following is an entry in ClinVar:

ClinVar aggregate classification (germline): Pathogenic (1 of 4 stars; one submission).

Allele frequency attached by ClinVar (database versions not stated): gnomAD exomes below 0.00001.
gnomAD v4.1: 1 of 1,612,008 alleles (0.000062%); highest among the groups gnomAD compares: Non-Finnish European, 0.000085%; no homozygotes.

Submission:

GeneDx
Classification: Pathogenic. Last evaluated: 2023-05-08. Review status: criteria provided, single submitter. Criteria: GeneDx Variant Classification Process June 2021. Collection method: clinical testing. Allele origin: germline. Affected: yes.
Comment: Canonical splice site variant predicted to result in a null allele in a gene for which loss of function is a known mechanism of disease; Not observed at significant frequency in large population cohorts (gnomAD); Has not been previously published as pathogenic or benign to our knowledge

NM_016239.4(MYO15A):c.9691-2A>C

Gene: MYO15A (myosin XVA; plus strand). Cytogenetic location: 17p11.2.
Variant type: single nucleotide variant.
Coding change: c.9691-2A>C on transcript NM_016239.4 (MANE Select); the canonical splice acceptor site of the intron before coding-DNA position 9691, A replaced by C.
Molecular consequence: splice acceptor variant.
Genome position (GRCh38, 1-based): chr17:18,163,740, A>C. VCF-style: chr17-18163740-A-C. GRCh37 (hg19) VCF-style: chr17-18067054-A-C.
Identifiers: ClinVar variation 2501961 (VCV002501961.1), dbSNP rs2545320150, ClinGen allele CA398639323.
Genomic context (GRCh38, chr17:18,163,740, plus strand): 5'-GGCCAGAAGGACAGAGGTCAAGCCCAACTGGCATGGCCTCATCTCTTCCGCCCCACCCCC[A>C]GGTGGCCCTGGACGTGGTGGAAGAGATATGTGCTGAGATGGCTCTGACACGCCCTGAGGC-3'